The following is an entry in ClinVar:

ClinVar aggregate classification (germline): Benign/Likely benign. Review status: criteria provided, multiple submitters, no conflicts (2 of 4 stars). 10 submissions from 10 submitters: Benign (7); Likely benign (1). 2 of the submissions do not count toward it. Last evaluated 2024-11-28.

Conditions:
Primary ciliary dyskinesia 15. Also called: CILIARY DYSKINESIA, PRIMARY, 15, WITH OR WITHOUT SITUS INVERSUS. Identifiers: Orphanet 244, MedGen C3151137, MONDO:0013435, OMIM 613808.

Allele frequency attached by ClinVar (database versions not stated): gnomAD exomes 0.28765 and 0.30191; ExAC 0.31469; ESP Exome Variant Server 0.34812; TOPMed 0.34985; gnomAD 0.35202 and 0.35502; 1000 Genomes Project 30x 0.39475; 1000 Genomes Project 0.39557.
gnomAD v4.1: 474,121 of 1,610,396 alleles (29%); highest among the groups gnomAD compares: African/African-American, 52%; 73,542 homozygotes.

Submissions (10):

Blueprint Genetics
Classification: Likely benign. Last evaluated: 2024-11-28. Review status: criteria provided, single submitter. Criteria: ACMG Guidelines, 2015. Collection method: clinical testing. Allele origin: germline.

Genome-Nilou Lab
Classification: Benign for Primary ciliary dyskinesia 15. Last evaluated: 2021-07-14. Review status: criteria provided, single submitter. Criteria: ACMG Guidelines, 2015. Collection method: clinical testing. Allele origin: germline. Affected: no.

GeneDx
Classification: Benign. Last evaluated: 2018-07-09. Review status: criteria provided, single submitter. Criteria: GeneDx Variant Classification Process June 2021. Collection method: clinical testing. Allele origin: germline. Affected: yes.

Illumina Laboratory Services, Illumina
Classification: Benign for Primary ciliary dyskinesia 15. Last evaluated: 2018-01-13. Review status: criteria provided, single submitter. Criteria: ICSL Variant Classification Criteria 13 December 2019. Collection method: clinical testing. Allele origin: germline.
Comment: This variant was observed in the ICSL laboratory as part of a predisposition screen in an ostensibly healthy population. It had not been previously curated by ICSL or reported in the Human Gene Mutation Database (HGMD: prior to June 1st, 2018), and was therefore a candidate for classification through an automated scoring system. Utilizing variant allele frequency, disease prevalence and penetrance estimates, and inheritance mode, an automated score was calculated to assess if this variant is too frequent to cause the disease. Based on the score and internal cut-off values, a variant classified as benign is not then subjected to further curation. The score for this variant resulted in a classification of benign for this disease.

Eurofins Ntd Llc (ga)
Classification: Benign. Last evaluated: 2014-05-07. Review status: criteria provided, single submitter. Criteria: EGL Classification Definitions 2015. Collection method: clinical testing. Allele origin: germline. Observed: 4 variant alleles, 4 homozygotes.

Laboratory for Molecular Medicine, Mass General Brigham Personalized Medicine
Classification: Benign. Last evaluated: 2013-02-21. Review status: criteria provided, single submitter. Criteria: LMM Criteria. Collection method: clinical testing. Allele origin: germline. Observed: 55 variant alleles.
Comment: *15T>C in exon 20 of CCDC40: This variant is not expected to have clinical signi ficance because it has been identified in 49.7% (1929/3880) of African American chromosomes from a broad population by the NHLBI Exome Sequencing Project (dbSNP rs2304853).

Breakthrough Genomics
Classification: Benign. Review status: criteria provided, single submitter. Criteria: ACMG Guidelines, 2015. Collection method: not provided. Allele origin: germline. Inheritance: Autosomal recessive inheritance. Affected: yes.

PreventionGenetics, part of Exact Sciences
Classification: Benign. Review status: criteria provided, single submitter. Criteria: ACMG Guidelines, 2015. Collection method: clinical testing. Allele origin: germline.

Clinical Genetics DNA and cytogenetics Diagnostics Lab, Erasmus MC, Erasmus Medical Center
Classification: Benign. Review status: no assertion criteria provided. Collection method: clinical testing. Allele origin: germline. Affected: yes. Study: VKGL Data-share Consensus. Not counted in ClinVar's aggregate classification.

Diagnostic Laboratory, Department of Genetics, University Medical Center Groningen
Classification: Benign for Primary ciliary dyskinesia 15. Review status: no assertion criteria provided. Collection method: clinical testing. Allele origin: germline. Affected: yes. Study: VKGL Data-share Consensus. Not counted in ClinVar's aggregate classification.

NM_017950.4(CCDC40):c.*15T>C

Gene: CCDC40 (coiled-coil domain 40 molecular ruler complex subunit; plus strand). Cytogenetic location: 17q25.3.
Variant type: single nucleotide variant.
Coding change: c.*15T>C on transcript NM_017950.4 (MANE Select); 15 bases downstream of the stop codon, T replaced by C.
Molecular consequence: 3 prime UTR variant.
Genome position (GRCh38, 1-based): chr17:80,099,790, T>C. VCF-style: chr17-80099790-T-C. GRCh37 (hg19) VCF-style: chr17-78073589-T-C.
Identifiers: ClinVar variation 162853 (VCV000162853.21), dbSNP rs2304853, ClinGen allele CA175439.